The following is an entry in ClinVar:

ClinVar aggregate classification (germline): Likely benign (1 of 4 stars; one submission).

Submission:

CeGaT Center for Human Genetics Tuebingen
Classification: Likely benign. Last evaluated: 2023-03-01. Review status: criteria provided, single submitter. Criteria: CeGaT Center For Human Genetics Tuebingen Variant Classification Criteria Version 2. Collection method: clinical testing. Allele origin: germline. Affected: yes. Observed: 1 variant allele.
Comment: FOCAD: BP4, BS2

NM_001375567.1(FOCAD):c.4729-5_4729-4insTTTTTTTTTTTTTTTTTTTTTTTTTTT

Gene: FOCAD (focadhesin; plus strand). Cytogenetic location: 9p21.3.
Variant type: Insertion.
Coding change: c.4729-5_4729-4insTTTTTTTTTTTTTTTTTTTTTTTTTTT on transcript NM_001375567.1 (MANE Select); 5 bases into the intron before coding-DNA position 4729 through 4 bases into the intron before coding-DNA position 4729, TTTTTTTTTTTTTTTTTTTTTTTTTTT inserted.
Molecular consequence: intron variant.
Genome position: GRCh38 VCF-style: chr9-20986266-A-ATTTTTTTTTTTTTTTTTTTTTTTTTTT. GRCh37 (hg19) VCF-style: chr9-20986265-A-ATTTTTTTTTTTTTTTTTTTTTTTTTTT.
Other names: c.4729-5_4729-4insTTTTTTTTTTTTTTTTTTTTTTTTTTT (NM_017794.5); c.4624-5_4624-4insTTTTTTTTTTTTTTTTTTTTTTTTTTT (NM_001375568.1, NM_001375570.1).
Identifiers: ClinVar variation 2659116 (VCV002659116.24), dbSNP rs545976303, ClinGen allele CA1122104675.